The following is an entry in ClinVar:

NM_000038.6(APC):c.4815G>A (p.Val1605=)

Gene: APC (APC regulator of Wnt signaling pathway; plus strand). Cytogenetic location: 5q22.2.
Variant type: single nucleotide variant.
Coding change: c.4815G>A on transcript NM_000038.6 (MANE Select); coding-DNA position 4815, G replaced by A.
Protein change: p.Val1605=; no amino-acid change (valine 1605 retained).
Molecular consequence: synonymous variant.
Genome position (GRCh38, 1-based): chr5:112,840,409, G>A. VCF-style: chr5-112840409-G-A. GRCh37 (hg19) VCF-style: chr5-112176106-G-A.
Other names: c.4815G>A, p.Val1605= (NM_001127510.3, NM_001354895.2); c.4761G>A, p.Val1587= (NM_001127511.3); c.4869G>A, p.Val1623= (NM_001354896.2); c.4845G>A, p.Val1615= (NM_001354897.2); c.4740G>A, p.Val1580= (NM_001354898.2); c.4731G>A, p.Val1577= (NM_001354899.2); c.4692G>A, p.Val1564= (NM_001354900.2); c.4638G>A, p.Val1546= (NM_001354901.2); and 5 more.
Identifiers: ClinVar variation 411451 (VCV000411451.52), dbSNP rs1060503313, ClinGen allele CA16611674.
Genomic context (GRCh38, chr5:112,840,409, plus strand): 5'-AAAGTCATCACGTAAAGCAAAAAAGCCAGCCCAGACTGCTTCAAAATTACCTCCACCTGT[G>A]GCAAGGAAACCAAGTCAGCTGCCTGTGTACAAACTTCTACCATCACAAAACAGGTTGCAA-3'
Protein context (NP_000029.2, residues 1595-1615): AQTASKLPPP[Val1605=]ARKPSQLPVY

ClinVar aggregate classification (germline): Benign/Likely benign. Review status: criteria provided, multiple submitters, no conflicts (2 of 4 stars). 3 submissions from 3 submitters: Benign (1); Likely benign (2). Last evaluated 2025-10-17.

Conditions:
Familial adenomatous polyposis 1 (FAP1). Also called: FAMILIAL ADENOMATOUS POLYPOSIS 1, ATTENUATED; POLYPOSIS, ADENOMATOUS INTESTINAL. Identifiers: MedGen C2713442, MONDO:0021056, OMIM 175100. Disease mechanism: loss of function.
Hereditary cancer-predisposing syndrome. Also called: Tumor predisposition; Hereditary Cancer Syndrome; Hereditary neoplastic syndrome; Neoplastic Syndromes, Hereditary. Identifiers: Orphanet 140162, MedGen C0027672, MeSH D009386, MONDO:0015356.

gnomAD v4.1: 1 of 1,614,136 alleles (0.000062%); no homozygotes.

Submissions (3):

Labcorp Genetics (formerly Invitae), Labcorp
Classification: Likely benign for Familial adenomatous polyposis 1. Last evaluated: 2025-10-17. Review status: criteria provided, single submitter. Criteria: Invitae Variant Classification Sherloc (09022015). Collection method: clinical testing. Allele origin: germline.

Myriad Genetics, Inc.
Classification: Benign for Familial adenomatous polyposis 1. Last evaluated: 2024-03-27. Review status: criteria provided, single submitter. Criteria: Myriad Autosomal Dominant, Autosomal Recessive and X-Linked Classification Criteria (2023). Collection method: clinical testing. Allele origin: unknown.
Comment: This variant is considered benign. This variant is a silent/synonymous amino acid change and it is not expected to impact splicing.

Ambry Genetics
Classification: Likely benign for Hereditary cancer-predisposing syndrome. Last evaluated: 2020-05-26. Review status: criteria provided, single submitter. Criteria: Ambry Variant Classification Scheme 2023. Collection method: clinical testing. Allele origin: germline.